The following is an entry in ClinVar:

ClinVar aggregate classification (germline): Conflicting classifications of pathogenicity. Review status: criteria provided, conflicting classifications (1 of 4 stars). 4 submissions from 4 submitters: Uncertain significance (3); Likely benign (1). Last evaluated 2025-09-24.

Conditions:
Spastic ataxia. Identifiers: Orphanet 316226, MedGen C1849156, MONDO:0017845, HP:0002497.
Spastic paraplegia. Identifiers: MedGen C0037772, HP:0001258.

Allele frequency attached by ClinVar (database versions not stated): gnomAD 0.00003 and 0.00004; TOPMed 0.00003; ExAC 0.00004; gnomAD exomes 0.00004.
gnomAD v4.1: 38 of 1,613,870 alleles (0.0024%); highest among the groups gnomAD compares: South Asian, 0.0099%; no homozygotes.

Submissions (4):

Labcorp Genetics (formerly Invitae), Labcorp
Classification: Likely benign for Spastic paraplegia. Last evaluated: 2025-09-24. Review status: criteria provided, single submitter. Criteria: Invitae Variant Classification Sherloc (09022015). Collection method: clinical testing. Allele origin: germline.

CeGaT Center for Human Genetics Tuebingen
Classification: Uncertain significance. Last evaluated: 2025-03-01. Review status: criteria provided, single submitter. Criteria: CeGaT Center For Human Genetics Tuebingen Variant Classification Criteria Version 2. Collection method: clinical testing. Allele origin: germline. Affected: yes. Observed: 1 variant allele.
Comment: SACS: PM2

Blueprint Genetics
Classification: Uncertain significance. Last evaluated: 2021-03-11. Review status: criteria provided, single submitter. Criteria: ACMG Guidelines, 2015. Collection method: clinical testing. Allele origin: germline.

Molecular Medicine for Neurodegenerative and Neuromuscular Diseases Unit, IRCCS Fondazione Stella Maris
Classification: Uncertain significance for Spastic ataxia. Last evaluated: 2021-01-04. Review status: criteria provided, single submitter. Criteria: ACMG Guidelines, 2015. Collection method: research. Allele origin: unknown. Affected: yes.

NM_014363.6(SACS):c.2927G>A (p.Arg976His)

Gene: SACS (sacsin molecular chaperone; minus strand). Cytogenetic location: 13q12.12.
Variant type: single nucleotide variant.
Coding change: c.2927G>A on transcript NM_014363.6 (MANE Select); coding-DNA position 2927, G replaced by A.
Protein change: p.Arg976His; replaces arginine 976 with histidine.
Molecular consequence: missense variant.
Genome position (GRCh38, 1-based): chr13:23,340,949, C>T on the plus strand (G>A on the coding strand, the complement: SACS is on the minus strand). VCF-style: chr13-23340949-C-T. GRCh37 (hg19) VCF-style: chr13-23915088-C-T.
Other names: c.2486G>A, p.Arg829His (NM_001278055.2); short protein forms R829H, R976H.
Identifiers: ClinVar variation 1027467 (VCV001027467.14), dbSNP rs751415868, ClinGen allele CA6911589.